The following is an entry in ClinVar:

NM_001035.3(RYR2):c.3659A>T (p.Asp1220Val)

Gene: RYR2 (ryanodine receptor 2; plus strand). Cytogenetic location: 1q43.
Variant type: single nucleotide variant.
Coding change: c.3659A>T on transcript NM_001035.3 (MANE Select); coding-DNA position 3659, A replaced by T.
Protein change: p.Asp1220Val; replaces aspartic acid 1220 with valine.
Molecular consequence: missense variant.
Genome position (GRCh38, 1-based): chr1:237,589,853, A>T. VCF-style: chr1-237589853-A-T. GRCh37 (hg19) VCF-style: chr1-237753153-A-T.
Other names: short protein forms D1220V.
Identifiers: ClinVar variation 2076292 (VCV002076292.6), dbSNP rs2546606302, ClinGen allele CA345396255.

ClinVar aggregate classification (germline): Uncertain significance. Review status: criteria provided, multiple submitters, no conflicts (2 of 4 stars). 2 submissions from 2 submitters: Uncertain significance (2). Last evaluated 2024-12-02.

Conditions:
Catecholaminergic polymorphic ventricular tachycardia 1. Also called: VENTRICULAR TACHYCARDIA, CATECHOLAMINERGIC POLYMORPHIC, 1, WITH OR WITHOUT ATRIAL DYSFUNCTION AND/OR DILATED CARDIOMYOPATHY; RYR2-Related Catecholaminergic Polymorphic Ventricular Tachycardia; VENTRICULAR TACHYCARDIA, STRESS-INDUCED POLYMORPHIC 1. Identifiers: Orphanet 3286, MedGen C1631597, MONDO:0011484, OMIM 604772.

gnomAD v4.1: 1 of 1,613,850 alleles (0.000062%); highest among the groups gnomAD compares: Non-Finnish European, 0.000085%; no homozygotes.

Submissions (2):

Dasa
Classification: Uncertain significance. Last evaluated: 2024-12-02. Review status: criteria provided, single submitter. Criteria: DASA Assertion Criteria. Collection method: clinical testing. Allele origin: germline.
Comment: NM_001035.3(RYR2):c.3659A>T (p.Asp1220Val) is a missense variant that results in the substitution of aspartic acid with valine. This variant is rare in population databases. Computational prediction algorithms are consistent with a deleterious effect. The currently available literature and clinical evidence are not sufficient to establish a definitive association between this variant and the reported condition. Therefore, this variant is classified as a variant of uncertain significance.

Labcorp Genetics (formerly Invitae), Labcorp
Classification: Uncertain significance for Catecholaminergic polymorphic ventricular tachycardia 1. Last evaluated: 2022-03-08. Review status: criteria provided, single submitter. Criteria: Invitae Variant Classification Sherloc (09022015). Collection method: clinical testing. Allele origin: germline.
Comment: In summary, the available evidence is currently insufficient to determine the role of this variant in disease. Therefore, it has been classified as a Variant of Uncertain Significance. Advanced modeling of protein sequence and biophysical properties (such as structural, functional, and spatial information, amino acid conservation, physicochemical variation, residue mobility, and thermodynamic stability) performed at Invitae indicates that this missense variant is expected to disrupt RYR2 protein function. This variant has not been reported in the literature in individuals affected with RYR2-related conditions. This variant is not present in population databases (gnomAD no frequency). This sequence change replaces aspartic acid, which is acidic and polar, with valine, which is neutral and non-polar, at codon 1220 of the RYR2 protein (p.Asp1220Val).